The following is an entry in ClinVar:

ClinVar aggregate classification (germline): Uncertain significance (1 of 4 stars; one submission).

Conditions:
Arrhythmogenic right ventricular dysplasia 11. Also called: Arrhythmogenic Right Ventricular Dysplasia/Cardiomyopathy11; ARRHYTHMOGENIC RIGHT VENTRICULAR DYSPLASIA, FAMILIAL, 11; Arrhythmogenic right ventricular dysplasia 11 with mild palmoplantar keratoderma and woolly hair. Identifiers: MedGen C1864850, MONDO:0012506, OMIM 610476.

gnomAD v4.1: 3 of 1,613,970 alleles (0.00019%); highest among the groups gnomAD compares: Non-Finnish European, 0.00025%; no homozygotes.

Submission:

Labcorp Genetics (formerly Invitae), Labcorp
Classification: Uncertain significance for Arrhythmogenic right ventricular dysplasia 11. Last evaluated: 2025-12-08. Review status: criteria provided, single submitter. Criteria: Invitae Variant Classification Sherloc (09022015). Collection method: clinical testing. Allele origin: germline.
Comment: This sequence change replaces serine, which is neutral and polar, with tryptophan, which is neutral and slightly polar, at codon 143 of the DSC2 protein (p.Ser143Trp). This variant is not present in population databases (gnomAD no frequency). This variant has not been reported in the literature in individuals affected with DSC2-related conditions. ClinVar contains an entry for this variant (Variation ID: 1993032). Invitae Evidence Modeling of protein sequence and biophysical properties (such as structural, functional, and spatial information, amino acid conservation, physicochemical variation, residue mobility, and thermodynamic stability) indicates that this missense variant is expected to disrupt DSC2 protein function with a positive predictive value of 80%. In summary, the available evidence is currently insufficient to determine the role of this variant in disease. Therefore, it has been classified as a Variant of Uncertain Significance.

NM_024422.6(DSC2):c.428C>G (p.Ser143Trp)

Gene: DSC2 (desmocollin 2; minus strand). Cytogenetic location: 18q12.1.
Variant type: single nucleotide variant.
Coding change: c.428C>G on transcript NM_024422.6 (MANE Select); coding-DNA position 428, C replaced by G.
Protein change: p.Ser143Trp; replaces serine 143 with tryptophan.
Molecular consequence: missense variant. On other transcripts: 5 prime UTR variant (2).
Genome position (GRCh38, 1-based): chr18:31,091,074, G>C on the plus strand (C>G on the coding strand, the complement: DSC2 is on the minus strand). VCF-style: chr18-31091074-G-C. GRCh37 (hg19) VCF-style: chr18-28671037-G-C.
Other names: c.-2C>G (NM_001406506.1, NM_001406507.1); c.428C>G, p.Ser143Trp (NM_004949.5); short protein forms S143W.
Identifiers: ClinVar variation 1993032 (VCV001993032.3), dbSNP rs769576778, ClinGen allele CA297643383.